The following is an entry in ClinVar:

ClinVar aggregate classification (germline): Likely benign. Review status: criteria provided, multiple submitters, no conflicts (2 of 4 stars). 3 submissions from 3 submitters: Likely benign (3). Last evaluated 2025-03-26.

Conditions:
ALG9 congenital disorder of glycosylation (CDG1L). Also called: ALG9-CDG; CONGENITAL DISORDER OF GLYCOSYLATION, TYPE Il; CDG Il. Identifiers: Orphanet 79328, MedGen C2931006, MONDO:0012117, OMIM 608776.
Gillessen-Kaesbach-Nishimura syndrome (GIKANIS). Identifiers: MedGen C1849762, MONDO:0009890, OMIM 263210.

Allele frequency attached by ClinVar (database versions not stated): gnomAD 0.00001; gnomAD exomes 0.00002 and 0.00005; TOPMed 0.00003.
gnomAD v4.1: 78 of 1,613,810 alleles (0.0048%); highest among the groups gnomAD compares: Non-Finnish European, 0.0064%; no homozygotes.

Submissions (3):

Labcorp Genetics (formerly Invitae), Labcorp
Classification: Likely benign for ALG9 congenital disorder of glycosylation. Last evaluated: 2025-03-26. Review status: criteria provided, single submitter. Criteria: Invitae Variant Classification Sherloc (09022015). Collection method: clinical testing. Allele origin: germline.

Fulgent Genetics
Classification: Likely benign for Gillessen-Kaesbach-Nishimura syndrome; ALG9 congenital disorder of glycosylation. Last evaluated: 2022-01-06. Review status: criteria provided, single submitter. Criteria: ACMG Guidelines, 2015. Collection method: clinical testing. Allele origin: unknown.

GeneDx
Classification: Likely benign. Last evaluated: 2016-03-07. Review status: criteria provided, single submitter. Criteria: GeneDx Variant Classification (06012015). Collection method: clinical testing. Allele origin: germline. Affected: yes.
Comment: This variant is considered likely benign or benign based on one or more of the following criteria: it is a conservative change, it occurs at a poorly conserved position in the protein, it is predicted to be benign by multiple in silico algorithms, and/or has population frequency not consistent with disease.

NM_024740.2(ALG9):c.1149C>T (p.Gly383=)

Gene: ALG9 (ALG9 alpha-1,2-mannosyltransferase; minus strand). Cytogenetic location: 11q23.1.
Variant type: single nucleotide variant.
Coding change: c.1149C>T on transcript NM_024740.2 (MANE Select); coding-DNA position 1149, C replaced by T.
Protein change: p.Gly383=; no amino-acid change (glycine 383 retained).
Molecular consequence: synonymous variant. On other transcripts: non-coding transcript variant (1).
Genome position (GRCh38, 1-based): chr11:111,840,679, G>A on the plus strand (C>T on the coding strand, the complement: ALG9 is on the minus strand). VCF-style: chr11-111840679-G-A. GRCh37 (hg19) VCF-style: chr11-111711402-G-A.
Other names: c.1149C>T, p.Gly383= (NM_001077690.1, NM_001352417.1); c.636C>T, p.Gly212= (NM_001077691.2, NM_001077692.2, NM_001352409.1 and 10 more transcripts); c.1026C>T, p.Gly342= (NM_001352418.1); c.561C>T, p.Gly187= (NM_001352422.2); c.513C>T, p.Gly171= (NM_001352423.2).
Identifiers: ClinVar variation 383272 (VCV000383272.3), dbSNP rs1057521573, ClinGen allele CA16606227.
Genomic context (GRCh38, chr11:111,840,679, plus strand): 5'-AAGAATGAGGCAGATACACTTCTCCCTGAAACTCACCTGAAGTGCAGAGAGAGCCACAGC[G>A]CCACAGAGACATATAAGTGGATACACAGGGAAAAGAAATCTCTCCTCTTTGTGAGGCTGG-3'
Protein context (NP_079016.2, residues 373-393): FPVYPLICLC[Gly383=]AVALSALQHS